The following is an entry in ClinVar:

NM_145059.3(FCSK):c.3251C>T (p.Pro1084Leu)

Gene: FCSK (fucose kinase; plus strand). Cytogenetic location: 16q22.1.
Variant type: single nucleotide variant.
Coding change: c.3251C>T on transcript NM_145059.3 (MANE Select); coding-DNA position 3251, C replaced by T.
Protein change: p.Pro1084Leu; replaces proline 1084 with leucine.
Molecular consequence: missense variant.
Genome position (GRCh38, 1-based): chr16:70,479,676, C>T. VCF-style: chr16-70479676-C-T. GRCh37 (hg19) VCF-style: chr16-70513579-C-T.
Other names: c.3251C>T (NM_145059.2); short protein forms P1084L.
Identifiers: ClinVar variation 2954747 (VCV002954747.4), dbSNP rs753730529, ClinGen allele CA8143929.
Genomic context (GRCh38, chr16:70,479,676, plus strand): 5'-ACACTCAGGGCCTGAGCCTGAAGCTGCTGGGGACCGAGGCCTCAACCTGTTGCCCTTTCC[C>T]ATGAAGCTGGCTTCTCTCTGCAACAGGAGAAAACCTGGAGCTACAGTGTCCCCCACCTTC-3'
Protein context (NP_659496.2, residues 1074-1084): GTEASTCCPF[Pro1084Leu]

ClinVar aggregate classification (germline): Uncertain significance. Review status: criteria provided, multiple submitters, no conflicts (2 of 4 stars). 2 submissions from 2 submitters: Uncertain significance (2). Last evaluated 2022-12-05.

Allele frequency attached by ClinVar (database versions not stated): ExAC 0.00003; gnomAD exomes 0.00004; gnomAD 0.00005; TOPMed 0.00007.
gnomAD v4.1: 66 of 1,613,314 alleles (0.0041%); highest among the groups gnomAD compares: Non-Finnish European, 0.0018%; no homozygotes.

Submissions (2):

Labcorp Genetics (formerly Invitae), Labcorp
Classification: Uncertain significance. Last evaluated: 2022-12-05. Review status: criteria provided, single submitter. Criteria: Invitae Variant Classification Sherloc (09022015). Collection method: clinical testing. Allele origin: germline.
Comment: This variant has not been reported in the literature in individuals affected with FUK-related conditions. In summary, the available evidence is currently insufficient to determine the role of this variant in disease. Therefore, it has been classified as a Variant of Uncertain Significance. Algorithms developed to predict the effect of missense changes on protein structure and function output the following: SIFT: "Deleterious"; PolyPhen-2: "Probably Damaging"; Align-GVGD: "Class C0". The leucine amino acid residue is found in multiple mammalian species, which suggests that this missense change does not adversely affect protein function. This variant is present in population databases (rs753730529, gnomAD 0.08%), and has an allele count higher than expected for a pathogenic variant. This sequence change replaces proline, which is neutral and non-polar, with leucine, which is neutral and non-polar, at codon 1084 of the FUK protein (p.Pro1084Leu).

Ambry Genetics
Classification: Uncertain significance. Last evaluated: 2022-01-31. Review status: criteria provided, single submitter. Criteria: Ambry Variant Classification Scheme 2023. Collection method: clinical testing. Allele origin: germline.